The following is an entry in ClinVar:

ClinVar aggregate classification (germline): Uncertain significance (1 of 4 stars; one submission).

Submission:

GeneDx
Classification: Uncertain significance. Last evaluated: 2023-07-06. Review status: criteria provided, single submitter. Criteria: GeneDx Variant Classification Process June 2021. Collection method: clinical testing. Allele origin: germline. Affected: yes.
Comment: Not observed at significant frequency in large population cohorts (gnomAD); In silico analysis supports that this missense variant has a deleterious effect on protein structure/function; Has not been previously published as pathogenic or benign to our knowledge

NM_171998.4(RAB39B):c.361G>A (p.Val121Met)

Gene: RAB39B (RAB39B, member RAS oncogene family; minus strand). Cytogenetic location: Xq28.
Variant type: single nucleotide variant.
Coding change: c.361G>A on transcript NM_171998.4 (MANE Select); coding-DNA position 361, G replaced by A.
Protein change: p.Val121Met; replaces valine 121 with methionine.
Molecular consequence: missense variant.
Genome position (GRCh38, 1-based): chrX:155,261,084, C>T on the plus strand (G>A on the coding strand, the complement: RAB39B is on the minus strand). VCF-style: chrX-155261084-C-T. GRCh37 (hg19) VCF-style: chrX-154490369-C-T.
Other names: short protein forms V121M.
Identifiers: ClinVar variation 3360743 (VCV003360743.1).